The following is an entry in ClinVar:

ClinVar aggregate classification (germline): Uncertain significance. Review status: criteria provided, multiple submitters, no conflicts (2 of 4 stars). 2 submissions from 2 submitters: Uncertain significance (2). Last evaluated 2025-01-12.

Allele frequency attached by ClinVar (database versions not stated): gnomAD exomes 0.00003; TOPMed 0.00006; gnomAD 0.00007.

Submissions (2):

Labcorp Genetics (formerly Invitae), Labcorp
Classification: Uncertain significance. Last evaluated: 2025-01-12. Review status: criteria provided, single submitter. Criteria: Invitae Variant Classification Sherloc (09022015). Collection method: clinical testing. Allele origin: germline.
Comment: This sequence change replaces alanine, which is neutral and non-polar, with valine, which is neutral and non-polar, at codon 235 of the SIX5 protein (p.Ala235Val). This variant is present in population databases (no rsID available, gnomAD 0.004%). This variant has not been reported in the literature in individuals affected with SIX5-related conditions. ClinVar contains an entry for this variant (Variation ID: 2189994). Invitae Evidence Modeling of protein sequence and biophysical properties (such as structural, functional, and spatial information, amino acid conservation, physicochemical variation, residue mobility, and thermodynamic stability) indicates that this missense variant is expected to disrupt SIX5 protein function with a positive predictive value of 80%. In summary, the available evidence is currently insufficient to determine the role of this variant in disease. Therefore, it has been classified as a Variant of Uncertain Significance.

Ambry Genetics
Classification: Uncertain significance. Last evaluated: 2024-03-01. Review status: criteria provided, single submitter. Criteria: Ambry Variant Classification Scheme 2023. Collection method: clinical testing. Allele origin: germline.

NM_175875.5(SIX5):c.704C>T (p.Ala235Val)

Genes: DM1-AS (DM1 locus antisense RNA; plus strand), SIX5 (SIX homeobox 5; minus strand), LOC107075317 (origin of replication in DMPK trinucleotide repeat region; plus strand). Cytogenetic location: 19q13.32.
Variant type: single nucleotide variant.
Coding change: c.704C>T on transcript NM_175875.5 (MANE Select); coding-DNA position 704, C replaced by T.
Protein change: p.Ala235Val; replaces alanine 235 with valine.
Molecular consequence: missense variant.
Genome position (GRCh38, 1-based): chr19:45,768,141, G>A on the plus strand (C>T on the coding strand, the complement: SIX5 is on the minus strand). VCF-style: chr19-45768141-G-A. GRCh37 (hg19) VCF-style: chr19-46271399-G-A.
Other names: c.704C>T (NM_175875.4); short protein forms A235V.
Identifiers: ClinVar variation 2189994 (VCV002189994.5), dbSNP rs1014350413, ClinGen allele CA309001512.